The following is an entry in ClinVar:

NM_015294.6(TRIM37):c.539G>A (p.Arg180Gln)

Gene: TRIM37 (tripartite motif containing 37; minus strand). Cytogenetic location: 17q22.
Variant type: single nucleotide variant.
Coding change: c.539G>A on transcript NM_015294.6 (MANE Select); coding-DNA position 539, G replaced by A.
Protein change: p.Arg180Gln; replaces arginine 180 with glutamine.
Molecular consequence: missense variant. On other transcripts: 5 prime UTR variant (1), non-coding transcript variant (2).
Genome position (GRCh38, 1-based): chr17:59,079,831, C>T on the plus strand (G>A on the coding strand, the complement: TRIM37 is on the minus strand). VCF-style: chr17-59079831-C-T. GRCh37 (hg19) VCF-style: chr17-57157192-C-T.
Other names: c.539G>A, p.Arg180Gln (NM_001005207.5, NM_001320988.3, NM_001320989.3 and 2 more transcripts); c.437G>A, p.Arg146Gln (NM_001320987.3, NM_001353082.2); c.173G>A, p.Arg58Gln (NM_001320990.3); c.-214G>A (NM_001353083.2); c.77G>A, p.Arg26Gln (NM_001353085.2); c.539G>A (NM_015294.3); short protein forms R58Q, R26Q, R146Q, R180Q.
Identifiers: ClinVar variation 2161033 (VCV002161033.2), dbSNP rs755138541, ClinGen allele CA8678590.

ClinVar aggregate classification (germline): Uncertain significance. Review status: criteria provided, multiple submitters, no conflicts (2 of 4 stars). 2 submissions from 2 submitters: Uncertain significance (2). Last evaluated 2025-11-06.

Conditions:
Inborn genetic diseases. Identifiers: MedGen C0950123, MeSH D030342.

Allele frequency attached by ClinVar (database versions not stated): TOPMed below 0.00001.
gnomAD v4.1: 7 of 1,614,048 alleles (0.00043%); highest among the groups gnomAD compares: East Asian, 0.0022%; no homozygotes.

Submissions (2):

Ambry Genetics
Classification: Uncertain significance for Inborn genetic diseases. Last evaluated: 2025-11-06. Review status: criteria provided, single submitter. Criteria: Ambry Variant Classification Scheme 2023. Collection method: clinical testing. Allele origin: germline.

Labcorp Genetics (formerly Invitae), Labcorp
Classification: Uncertain significance. Last evaluated: 2022-05-04. Review status: criteria provided, single submitter. Criteria: Invitae Variant Classification Sherloc (09022015). Collection method: clinical testing. Allele origin: germline.
Comment: This sequence change replaces arginine, which is basic and polar, with glutamine, which is neutral and polar, at codon 180 of the TRIM37 protein (p.Arg180Gln). This variant is present in population databases (rs755138541, gnomAD 0.006%). This variant has not been reported in the literature in individuals affected with TRIM37-related conditions. Algorithms developed to predict the effect of missense changes on protein structure and function are either unavailable or do not agree on the potential impact of this missense change (SIFT: "Not Available"; PolyPhen-2: "Benign"; Align-GVGD: "Not Available"). In summary, the available evidence is currently insufficient to determine the role of this variant in disease. Therefore, it has been classified as a Variant of Uncertain Significance.